The following is an entry in ClinVar:

ClinVar aggregate classification (germline): Uncertain significance (1 of 4 stars; one submission).

Allele frequency attached by ClinVar (database versions not stated): gnomAD exomes 0.00002.
gnomAD v4.1: 3 of 1,439,042 alleles (0.00021%); highest among the groups gnomAD compares: Non-Finnish European, 0.00027%; no homozygotes.

Submission:

GeneDx
Classification: Uncertain significance. Last evaluated: 2019-08-13. Review status: criteria provided, single submitter. Criteria: GeneDx Variant Classification Process June 2021. Collection method: clinical testing. Allele origin: germline. Affected: yes.
Comment: In silico analysis, which includes protein predictors and evolutionary conservation, supports a deleterious effect; Has not been previously published as pathogenic or benign to our knowledge

NM_001013838.3(CARMIL2):c.1429G>T (p.Asp477Tyr)

Gene: CARMIL2 (capping protein regulator and myosin 1 linker 2; plus strand). Cytogenetic location: 16q22.1.
Variant type: single nucleotide variant.
Coding change: c.1429G>T on transcript NM_001013838.3 (MANE Select); coding-DNA position 1429, G replaced by T.
Protein change: p.Asp477Tyr; replaces aspartic acid 477 with tyrosine.
Molecular consequence: missense variant.
Genome position (GRCh38, 1-based): chr16:67,648,492, G>T. VCF-style: chr16-67648492-G-T. GRCh37 (hg19) VCF-style: chr16-67682395-G-T.
Other names: c.1321G>T, p.Asp441Tyr (NM_001317026.3); short protein forms D441Y, D477Y.
Identifiers: ClinVar variation 1307669 (VCV001307669.2), dbSNP rs925043435, ClinGen allele CA396336728.